The following is an entry in ClinVar:

ClinVar aggregate classification (germline): Uncertain significance. Review status: criteria provided, multiple submitters, no conflicts (2 of 4 stars). 2 submissions from 2 submitters: Uncertain significance (2). Last evaluated 2026-05-05.

Conditions:
Cardiovascular phenotype. Identifiers: MedGen CN230736.
Dilated cardiomyopathy 1W (CMD1W). Identifiers: Orphanet 154, MedGen C1969639, MONDO:0012667, OMIM 611407.

Allele frequency attached by ClinVar (database versions not stated): gnomAD exomes below 0.00001.
gnomAD v4.1: 1 of 1,614,214 alleles (0.000062%); highest among the groups gnomAD compares: Admixed American, 0.0017%; no homozygotes.

Submissions (2):

Ambry Genetics
Classification: Uncertain significance for Cardiovascular phenotype. Last evaluated: 2026-05-05. Review status: criteria provided, single submitter. Criteria: Ambry Variant Classification Scheme 2023. Collection method: clinical testing. Allele origin: germline.

Labcorp Genetics (formerly Invitae), Labcorp
Classification: Uncertain significance for Dilated cardiomyopathy 1W. Last evaluated: 2022-03-10. Review status: criteria provided, single submitter. Criteria: Invitae Variant Classification Sherloc (09022015). Collection method: clinical testing. Allele origin: germline.
Comment: In summary, the available evidence is currently insufficient to determine the role of this variant in disease. Therefore, it has been classified as a Variant of Uncertain Significance. Algorithms developed to predict the effect of missense changes on protein structure and function are either unavailable or do not agree on the potential impact of this missense change (SIFT: "Not Available"; PolyPhen-2: "Probably Damaging"; Align-GVGD: "Not Available"). This variant has not been reported in the literature in individuals affected with VCL-related conditions. This variant is not present in population databases (gnomAD no frequency). This sequence change replaces alanine, which is neutral and non-polar, with proline, which is neutral and non-polar, at codon 834 of the VCL protein (p.Ala834Pro).

NM_014000.3(VCL):c.2500G>C (p.Ala834Pro)

Gene: VCL (vinculin; plus strand). Cytogenetic location: 10q22.2.
Variant type: single nucleotide variant.
Coding change: c.2500G>C on transcript NM_014000.3 (MANE Select); coding-DNA position 2500, G replaced by C.
Protein change: p.Ala834Pro; replaces alanine 834 with proline.
Molecular consequence: missense variant.
Genome position (GRCh38, 1-based): chr10:74,107,295, G>C. VCF-style: chr10-74107295-G-C. GRCh37 (hg19) VCF-style: chr10-75867053-G-C.
Other names: c.2500G>C, p.Ala834Pro (NM_003373.4); short protein forms A834P.
Identifiers: ClinVar variation 2166546 (VCV002166546.5), dbSNP rs2549233483, ClinGen allele CA377263696.